The following is an entry in ClinVar:

ClinVar aggregate classification (germline): Uncertain significance (1 of 4 stars; one submission).

Allele frequency attached by ClinVar (database versions not stated): ESP Exome Variant Server 0.00076.
gnomAD v4.1: 457 of 1,585,570 alleles (0.029%); highest among the groups gnomAD compares: Admixed American, 0.028%; 1 homozygote.

Submission:

Labcorp Genetics (formerly Invitae), Labcorp
Classification: Uncertain significance. Last evaluated: 2024-01-22. Review status: criteria provided, single submitter. Criteria: Invitae Variant Classification Sherloc (09022015). Collection method: clinical testing. Allele origin: germline.
Comment: This sequence change replaces arginine, which is basic and polar, with cysteine, which is neutral and slightly polar, at codon 722 of the MYSM1 protein (p.Arg722Cys). This variant is present in population databases (rs200350305, gnomAD 0.2%), and has an allele count higher than expected for a pathogenic variant. This variant has not been reported in the literature in individuals affected with MYSM1-related conditions. ClinVar contains an entry for this variant (Variation ID: 1445501). An algorithm developed to predict the effect of missense changes on protein structure and function (PolyPhen-2) suggests that this variant is likely to be disruptive. In summary, the available evidence is currently insufficient to determine the role of this variant in disease. Therefore, it has been classified as a Variant of Uncertain Significance.

NM_001085487.3(MYSM1):c.2164C>T (p.Arg722Cys)

Gene: MYSM1 (Myb like, SWIRM and MPN domains 1; minus strand). Cytogenetic location: 1p32.1.
Variant type: single nucleotide variant.
Coding change: c.2164C>T on transcript NM_001085487.3 (MANE Select); coding-DNA position 2164, C replaced by T.
Protein change: p.Arg722Cys; replaces arginine 722 with cysteine.
Molecular consequence: missense variant.
Genome position (GRCh38, 1-based): chr1:58,665,499, G>A on the plus strand (C>T on the coding strand, the complement: MYSM1 is on the minus strand). VCF-style: chr1-58665499-G-A. GRCh37 (hg19) VCF-style: chr1-59131171-G-A.
Other names: short protein forms R722C.
Identifiers: ClinVar variation 1445501 (VCV001445501.4), dbSNP rs200350305, ClinGen allele CA877603.
Genomic context (GRCh38, chr1:58,665,499, plus strand): 5'-TGTATGAGTCAAAGAAATAAGAGTAGAAAGAGGATAAAGTTATTTTTGTTGAAAACTTAC[G>A]ATAAGAGCCATCTGGGCTAATTTCCTCACTTATAACCAGGCAGGTAATCTGAGAATATGG-3'
Protein context (NP_001078956.1, residues 712-732): SEEISPDGSY[Arg722Cys]LPYKFEVQQM